The following is an entry in ClinVar:

Conditions:
Breast-ovarian cancer, familial, susceptibility to, 1 (BROVCA1). Also called: BRCA1 Hereditary Breast and Ovarian Cancer; OVARIAN CANCER, SUSCEPTIBILITY TO. Identifiers: Orphanet 145, MedGen C2676676, MONDO:0011450, OMIM 604370. Disease mechanism: loss of function.

Submission:

Brotman Baty Institute, University of Washington
No classification provided (evidence only). Condition: Breast-ovarian cancer, familial 1. Review status: no classification provided. Collection method: in vitro. Allele origin: not applicable. Functional consequence: functionally_normal.
ClinVar note: "not provided" was previously submitted as the classification for the variant. However, the classification appeared to be based only on an observation of functional data so it was converted to no classification on 2025-07-30.

NM_007294.4(BRCA1):c.5021T>C (p.Ile1674Thr)

Gene: BRCA1 (BRCA1 DNA repair associated; minus strand). Cytogenetic location: 17q21.31.
Variant type: single nucleotide variant.
Coding change: c.5021T>C on transcript NM_007294.4 (MANE Select); coding-DNA position 5021, T replaced by C.
Protein change: p.Ile1674Thr; replaces isoleucine 1674 with threonine.
Molecular consequence: missense variant. On other transcripts: non-coding transcript variant (1).
Genome position (GRCh38, 1-based): chr17:43,067,661, A>G on the plus strand (T>C on the coding strand, the complement: BRCA1 is on the minus strand). VCF-style: chr17-43067661-A-G. GRCh37 (hg19) VCF-style: chr17-41219678-A-G.
Other names: c.4874T>C, p.Ile1625Thr (NM_001407843.1, NM_001407844.1, NM_001407838.1 and 12 more transcripts); c.5018T>C, p.Ile1673Thr (NM_001407858.1, NM_001407859.1, NM_001407860.1 and 17 more transcripts); c.5015T>C, p.Ile1672Thr (NM_001407861.1, NM_001407627.1, NM_001407628.1 and 14 more transcripts); c.4820T>C, p.Ile1607Thr (NM_001407862.1); c.4895T>C, p.Ile1632Thr (NM_001407863.1, NM_001407670.1, NM_001407671.1 and 11 more transcripts); c.4814T>C, p.Ile1605Thr (NM_001407874.1, NM_001407875.1); c.4811T>C, p.Ile1604Thr (NM_001407879.1, NM_001407881.1, NM_001407882.1 and 5 more transcripts); c.4808T>C, p.Ile1603Thr (NM_001407897.1, NM_001407898.1, NM_001407899.1 and 12 more transcripts); and 70 more; short protein forms I1627T, I1695T, I1674T, I570T, I1378T, I1561T, I1562T, I1584T.
Identifiers: ClinVar variation 867545 (VCV000867545.3), dbSNP rs2052178079, ClinGen allele CA10591472.
Genomic context (GRCh38, chr17:43,067,661, plus strand): 5'-GGTATACCTGTTTTCATAACAACATGAGTAGTCTCTTCAGTAATTAGATTAGTTAAAGTG[A>G]TGTGGTGTTTTCTGGCAAACTTGTACACGAGCATCTGAAATTAAATCAAATATTCCATTA-3'
Protein context (NP_009225.1, residues 1664-1684): LVYKFARKHH[Ile1674Thr]TLTNLITEET